The following is an entry in ClinVar:

NM_000396.4(CTSK):c.934C>T (p.Arg312Ter)

Gene: CTSK (cathepsin K; minus strand). Cytogenetic location: 1q21.3.
Variant type: single nucleotide variant.
Coding change: c.934C>T on transcript NM_000396.4 (MANE Select); coding-DNA position 934, C replaced by T.
Protein change: p.Arg312Ter; replaces arginine 312 with a stop codon.
Molecular consequence: nonsense.
Genome position (GRCh38, 1-based): chr1:150,796,855, G>A on the plus strand (C>T on the coding strand, the complement: CTSK is on the minus strand). VCF-style: chr1-150796855-G-A. GRCh37 (hg19) VCF-style: chr1-150769331-G-A.
Other names: short protein forms R312*.
Identifiers: ClinVar variation 371426 (VCV000371426.16), dbSNP rs375958814, ClinGen allele CA1080391.

ClinVar aggregate classification (germline): Pathogenic/Likely pathogenic. Review status: criteria provided, multiple submitters, no conflicts (2 of 4 stars). 4 submissions from 4 submitters: Pathogenic (1); Likely pathogenic (2). 1 of the submissions does not count toward it. Last evaluated 2026-01-13.

Conditions:
Pyknodysostosis. Also called: Pycnodysostosis. Identifiers: Orphanet 763, MedGen C0238402, MONDO:0009940, OMIM 265800.

Allele frequency attached by ClinVar (database versions not stated): TOPMed 0.00002.
gnomAD v4.1: 10 of 1,614,008 alleles (0.00062%); highest among the groups gnomAD compares: African/African-American, 0.0027%; no homozygotes.

Submissions (4):

Labcorp Genetics (formerly Invitae), Labcorp
Classification: Pathogenic. Last evaluated: 2026-01-13. Review status: criteria provided, single submitter. Criteria: Invitae Variant Classification Sherloc (09022015). Collection method: clinical testing. Allele origin: germline.
Comment: This sequence change creates a premature translational stop signal (p.Arg312*) in the CTSK gene. While this is not anticipated to result in nonsense mediated decay, it is expected to disrupt the last 18 amino acid(s) of the CTSK protein. This variant is present in population databases (rs375958814, gnomAD 0.003%). This premature translational stop signal has been observed in individual(s) with clinical features of pycnodysostosis (PMID: 24767306; internal data). In at least one individual the data is consistent with being in trans (on the opposite chromosome) from a pathogenic variant. ClinVar contains an entry for this variant (Variation ID: 371426). Algorithms developed to predict the effect of sequence changes on RNA splicing suggest that this variant may disrupt the consensus splice site. For these reasons, this variant has been classified as Pathogenic.

Fulgent Genetics
Classification: Likely pathogenic for Pyknodysostosis. Last evaluated: 2024-05-08. Review status: criteria provided, single submitter. Criteria: ACMG Guidelines, 2015. Collection method: clinical testing. Allele origin: germline.

Genome-Nilou Lab
Classification: Likely pathogenic for Pyknodysostosis. Last evaluated: 2023-04-11. Review status: criteria provided, single submitter. Criteria: ACMG Guidelines, 2015. Collection method: clinical testing. Allele origin: germline. Affected: no.

Counsyl
Classification: Likely pathogenic for Pyknodysostosis. Last evaluated: 2016-09-22. Review status: no assertion criteria provided. Collection method: clinical testing. Allele origin: unknown. Not counted in ClinVar's aggregate classification.

Literature cited by the submitters: PubMed 24767306 (cited by Labcorp Genetics (formerly Invitae), Labcorp and Counsyl); PubMed 11181082 (cited by Counsyl).